The following is an entry in ClinVar:

NC_000002.12:g.49630800_49638002del

Variant type: Deletion.
Genome position: GRCh38: chr2:49,630,800-49,638,002. GRCh37 (hg19): chr2:49,857,938-49,865,140.
Identifiers: ClinVar variation 156784 (VCV000156784.3), ClinGen allele CA211988.

ClinVar aggregate classification (germline): not provided (0 of 4 stars; one submission).

Conditions:
Preeclampsia. Identifiers: Orphanet 275555, MedGen C0032914, MONDO:0005081, HP:0100602.

Submission:

Institute of Molecular and Cell Biology, University of Tartu
No classification provided. Condition: Preeclampsia. Review status: no classification provided. Collection method: case-control. Allele origin: unknown. Affected: yes. Study: Kasak2014.
Comment: The study aimed to determine the contribution of copy number variants in the genetic etiology of normal and complicated pregnancies. The samples represented (i) maternal blood DNA drawn from healthy pregnant women during 1st or 2nd trimester and (ii) maternal and paternal blood DNA drawn at term pregnancy cases representing normal and complicated gestations (severe preeclampsia, PE; gestational diabetes, GD; small-for-gestational age newborn, SGA; large-for-gestational age newborn, LGA). We performed CNV calling based on genome-wide genotyping dataset (Illumina HumanOmniExpress-24-v1 BeadChip) by applying three algorithms, QuantiSNP, GADA (Genome Alteration Detection Algorithm) and CNstream in parallel. The acquired CNV calls were merged with HD-CNV (Hotspot Detector for Copy Number Variants) program and only the CNVs predicted by at least two programs, were considered in subsequent analysis.

Literature cited by the submitters: PubMed 25666259.